The following is an entry in ClinVar:

ClinVar aggregate classification (germline): Benign/Likely benign. Review status: criteria provided, multiple submitters, no conflicts (2 of 4 stars). 4 submissions from 4 submitters: Benign (1); Likely benign (3). Last evaluated 2025-12-25.

Conditions:
Renal cell carcinoma. Identifiers: Orphanet 217071, MedGen C0007134, MeSH D002292, MONDO:0005086, HP:0005584.
Papillary renal cell carcinoma type 1 (RCCP1). Also called: RENAL CELL CARCINOMA, PAPILLARY, 1, SOMATIC; Renal adenocarcinoma; Renal cell carcinoma 1; Renal cell carcinoma, somatic. Identifiers: Orphanet 47044, MedGen C1336839, OMIM 605074, HP:0011797.
Hereditary cancer-predisposing syndrome. Also called: Hereditary Cancer Syndrome; Tumor predisposition; Neoplastic Syndromes, Hereditary; Hereditary neoplastic syndrome. Identifiers: Orphanet 140162, MedGen C0027672, MeSH D009386, MONDO:0015356.

Allele frequency attached by ClinVar (database versions not stated): ExAC 0.00005.
gnomAD v4.1: 22 of 1,613,922 alleles (0.0014%); highest among the groups gnomAD compares: South Asian, 0.018%; no homozygotes.

Submissions (4):

Labcorp Genetics (formerly Invitae), Labcorp
Classification: Likely benign for Renal cell carcinoma. Last evaluated: 2025-12-25. Review status: criteria provided, single submitter. Criteria: Invitae Variant Classification Sherloc (09022015). Collection method: clinical testing. Allele origin: germline.

Myriad Genetics, Inc.
Classification: Benign for Papillary renal cell carcinoma type 1. Last evaluated: 2024-11-06. Review status: criteria provided, single submitter. Criteria: Myriad Autosomal Dominant, Autosomal Recessive and X-Linked Classification Criteria (2023). Collection method: clinical testing. Allele origin: unknown.
Comment: This variant is considered benign. This variant is a silent/synonymous amino acid change and it is not expected to impact splicing.

Ambry Genetics
Classification: Likely benign for Hereditary cancer-predisposing syndrome. Last evaluated: 2023-02-25. Review status: criteria provided, single submitter. Criteria: Ambry Variant Classification Scheme 2023. Collection method: clinical testing. Allele origin: germline.

Breakthrough Genomics
Classification: Likely benign. Review status: criteria provided, single submitter. Criteria: ACMG Guidelines, 2015. Collection method: not provided. Allele origin: germline. Inheritance: Autosomal recessive inheritance. Affected: yes.

NM_000245.4(MET):c.222T>C (p.Asn74=)

Gene: MET (MET proto-oncogene, receptor tyrosine kinase; plus strand). Cytogenetic location: 7q31.2.
Variant type: single nucleotide variant.
Coding change: c.222T>C on transcript NM_000245.4 (MANE Select); coding-DNA position 222, T replaced by C.
Protein change: p.Asn74=; no amino-acid change (asparagine 74 retained).
Molecular consequence: synonymous variant. On other transcripts: intron variant (1).
Genome position (GRCh38, 1-based): chr7:116,699,306, T>C. VCF-style: chr7-116699306-T-C. GRCh37 (hg19) VCF-style: chr7-116339360-T-C.
Other names: c.222T>C, p.Asn74= (NM_001127500.3, NM_001324401.3); c.-91+26729T>C (NM_001324402.2).
Identifiers: ClinVar variation 704552 (VCV000704552.13), dbSNP rs767934760, ClinGen allele CA4447961.